The following is an entry in ClinVar:

NM_001999.4(FBN2):c.8444A>C (p.Lys2815Thr)

Gene: FBN2 (fibrillin 2; minus strand). Cytogenetic location: 5q23.3.
Variant type: single nucleotide variant.
Coding change: c.8444A>C on transcript NM_001999.4 (MANE Select); coding-DNA position 8444, A replaced by C.
Protein change: p.Lys2815Thr; replaces lysine 2815 with threonine.
Molecular consequence: missense variant.
Genome position (GRCh38, 1-based): chr5:128,259,750, T>G on the plus strand (A>C on the coding strand, the complement: FBN2 is on the minus strand). VCF-style: chr5-128259750-T-G. GRCh37 (hg19) VCF-style: chr5-127595442-T-G.
Other names: short protein forms K2815T.
Identifiers: ClinVar variation 528397 (VCV000528397.20), dbSNP rs757028268, ClinGen allele CA3393803.

ClinVar aggregate classification (germline): Conflicting classifications of pathogenicity. Review status: criteria provided, conflicting classifications (1 of 4 stars). 8 submissions from 8 submitters: Uncertain significance (4); Likely benign (3). 1 of the submissions does not count toward it. Last evaluated 2026-03-31.

Conditions:
Macular degeneration, early-onset (EOMD). Identifiers: MedGen C4015286, MONDO:0014501, OMIM 616118.
Congenital contractural arachnodactyly (CCA). Also called: BEALS SYNDROME; Beals-Hecht syndrome; Arthrogryposis, distal, type 9. Identifiers: Orphanet 115, MedGen C0220668, MONDO:0007363, OMIM 121050.
FBN2-related disorder. Also called: FBN2-related condition.
Familial thoracic aortic aneurysm and aortic dissection (TAAD). Also called: Thoracic aortic aneurysms and dissections. Identifiers: Orphanet 91387, MedGen C4707243, MONDO:0019625.

Allele frequency attached by ClinVar (database versions not stated): gnomAD exomes 0.00001 and 0.00005; ExAC 0.00002; gnomAD 0.00003 and 0.00004; TOPMed 0.00004.

Submissions (8):

GeneDx
Classification: Uncertain significance. Last evaluated: 2026-03-31. Review status: criteria provided, single submitter. Criteria: GeneDx Variant Classification Process June 2021. Collection method: clinical testing. Allele origin: germline.
Comment: Not observed at significant frequency in large population cohorts (gnomAD); In silico analysis supports that this missense variant has a deleterious effect on protein structure/function; Observed in a patient with spontaneous coronary artery dissection (PMID: 35583931); This variant is associated with the following publications: (PMID: 35583931)

Labcorp Genetics (formerly Invitae), Labcorp
Classification: Likely benign for Congenital contractural arachnodactyly. Last evaluated: 2025-11-27. Review status: criteria provided, single submitter. Criteria: Invitae Variant Classification Sherloc (09022015). Collection method: clinical testing. Allele origin: germline.

Ambry Genetics
Classification: Uncertain significance for Familial thoracic aortic aneurysm and aortic dissection. Last evaluated: 2024-12-13. Review status: criteria provided, single submitter. Criteria: Ambry Variant Classification Scheme 2023. Collection method: clinical testing. Allele origin: germline.
Comment: The p.K2815T variant (also known as c.8444A>C), located in coding exon 65 of the FBN2 gene, results from an A to C substitution at nucleotide position 8444. The lysine at codon 2815 is replaced by threonine, an amino acid with similar properties. This amino acid position is not well conserved in available vertebrate species. In addition, the in silico prediction for this alteration is inconclusive. Based on the available evidence, the clinical significance of this variant remains unclear.

Women's Health and Genetics/Laboratory Corporation of America, LabCorp
Classification: Likely benign. Last evaluated: 2024-08-20. Review status: criteria provided, single submitter. Criteria: LabCorp Variant Classification Summary - May 2015. Collection method: clinical testing. Allele origin: germline.
Comment: Variant summary: FBN2 c.8444A>C (p.Lys2815Thr) results in a non-conservative amino acid change in the encoded protein sequence. Two of four in-silico tools predict a benign effect of the variant on protein function. The variant allele was found at a frequency of 4.6e-05 in 1613780 control chromosomes. The observed variant frequency is approximately 36.68 fold of the estimated maximal expected allele frequency for a pathogenic variant in FBN2 causing Aortopathy phenotype (1.3e-06). c.8444A>C has been reported in the literature in an individual affected with Spontaneous Coronary Artery Dissection, without strong evidence for causality (Tarr_2022). This report does not provide unequivocal conclusions about association of the variant with Aortopathy. To our knowledge, no experimental evidence demonstrating an impact on protein function has been reported. The following publication have been ascertained in the context of this evaluation (PMID: 35583931). ClinVar contains an entry for this variant (Variation ID: 528397). Based on the evidence outlined above, the variant was classified as likely benign.

Blueprint Genetics
Classification: Likely benign. Last evaluated: 2022-11-03. Review status: criteria provided, single submitter. Criteria: ACMG Guidelines, 2015. Collection method: clinical testing. Allele origin: germline.

ARUP Laboratories, Molecular Genetics and Genomics, ARUP Laboratories
Classification: Uncertain significance. Last evaluated: 2022-05-06. Review status: criteria provided, single submitter. Criteria: ARUP Molecular Germline Variant Investigation Process 2021. Collection method: clinical testing. Allele origin: germline.
Comment: The FBN2 c.8444A>C; p.Lys2815Thr variant (rs757028268), to our knowledge, is not reported in the medical literature but is reported in ClinVar (Variation ID: 528397). This variant is found in the general population with an overall allele frequency of 0.002% (5/282524 alleles) in the Genome Aggregation Database. The lysine at codon 2815 is moderately conserved, but computational analyses are uncertain whether this variant is neutral or deleterious (REVEL: 0.506). Due to limited information, the clinical significance of this variant is uncertain at this time.

Fulgent Genetics
Classification: Uncertain significance for Congenital contractural arachnodactyly; Macular degeneration, early-onset. Last evaluated: 2018-10-31. Review status: criteria provided, single submitter. Criteria: ACMG Guidelines, 2015. Collection method: clinical testing. Allele origin: unknown.

PreventionGenetics, part of Exact Sciences
Classification: Uncertain significance for FBN2-related condition. Last evaluated: 2024-07-02. Review status: no assertion criteria provided. Collection method: clinical testing. Allele origin: germline. Not counted in ClinVar's aggregate classification.
Comment: The FBN2 c.8444A>C variant is predicted to result in the amino acid substitution p.Lys2815Thr. To our knowledge, this variant has not been reported in the literature. This variant is reported in 0.0039% of alleles in individuals of European (Non-Finnish) descent in gnomAD. At this time, the clinical significance of this variant is uncertain due to the absence of conclusive functional and genetic evidence.

Literature cited by the submitters: PubMed 35583931 (cited by Women's Health and Genetics/Laboratory Corporation of America, LabCorp).